The following is an entry in ClinVar:

NM_002691.4(POLD1):c.2606C>A (p.Ser869Ter)

Gene: POLD1 (DNA polymerase delta 1, catalytic subunit; plus strand). Cytogenetic location: 19q13.33.
Variant type: single nucleotide variant.
Coding change: c.2606C>A on transcript NM_002691.4 (MANE Select); coding-DNA position 2606, C replaced by A.
Protein change: p.Ser869Ter; replaces serine 869 with a stop codon.
Molecular consequence: nonsense. On other transcripts: non-coding transcript variant (1).
Genome position (GRCh38, 1-based): chr19:50,415,479, C>A. VCF-style: chr19-50415479-C-A. GRCh37 (hg19) VCF-style: chr19-50918736-C-A.
Other names: c.2606C>A, p.Ser869Ter (NM_001256849.1); c.2684C>A, p.Ser895Ter (NM_001308632.1); short protein forms S869*, S895*.
Identifiers: ClinVar variation 821538 (VCV000821538.13), dbSNP rs1422842883, ClinGen allele CA406985403.

ClinVar aggregate classification (germline): Uncertain significance. Review status: criteria provided, multiple submitters, no conflicts (2 of 4 stars). 2 submissions from 2 submitters: Uncertain significance (2). Last evaluated 2025-08-13.

Conditions:
Hereditary cancer-predisposing syndrome. Also called: Hereditary Cancer Syndrome; Hereditary neoplastic syndrome; Neoplastic Syndromes, Hereditary; Tumor predisposition. Identifiers: Orphanet 140162, MedGen C0027672, MeSH D009386, MONDO:0015356.
POLD1-related polyposis and colorectal cancer syndrome (CRCS10). Also called: Colorectal cancer, susceptibility to, 10; Colorectal cancer 10; COLORECTAL CANCER, SUSCEPTIBILITY TO, ON CHROMOSOME 19q. Identifiers: Orphanet 220460, MedGen C2675481, MONDO:0012953, OMIM 612591.

gnomAD v4.1: 1 of 1,613,124 alleles (0.000062%); highest among the groups gnomAD compares: Non-Finnish European, 0.000085%; no homozygotes.

Submissions (2):

Labcorp Genetics (formerly Invitae), Labcorp
Classification: Uncertain significance for POLD1-related polyposis and colorectal cancer syndrome. Last evaluated: 2025-08-13. Review status: criteria provided, single submitter. Criteria: Invitae Variant Classification Sherloc (09022015). Collection method: clinical testing. Allele origin: germline.
Comment: This sequence change creates a premature translational stop signal (p.Ser869*) in the POLD1 gene. Missense variants that disrupt the 3'-5' exonuclease (proof-reading) activity of the POLD1 protein are associated with PPAP (polymerase proofreading–associated polyposis) (PMID: 23263490, 23447401). However, loss-of-function variants that result in an absent or severely disrupted POLD1 protein, and missense variants outside the exonuclease domain, are unlikely to be associated with PPAP. This variant is not present in population databases (gnomAD no frequency). This variant has not been reported in the literature in individuals affected with POLD1-related conditions. ClinVar contains an entry for this variant (Variation ID: 821538). In summary, the available evidence is currently insufficient to determine the role of this variant in disease. Therefore, it has been classified as a Variant of Uncertain Significance.

Ambry Genetics
Classification: Uncertain significance for Hereditary cancer-predisposing syndrome. Last evaluated: 2025-03-05. Review status: criteria provided, single submitter. Criteria: Ambry Variant Classification Scheme 2023. Collection method: clinical testing. Allele origin: germline.
Comment: The p.S869* variant (also known as c.2606C>A), located in coding exon 20 of the POLD1 gene, results from a C to A substitution at nucleotide position 2606. This changes the amino acid from a serine to a stop codon within coding exon 20. This alteration is expected to result in protein truncation or nonsense-mediated mRNA decay. However, loss of function of POLD1 has not been established as a mechanism of disease. Based on the available evidence, the clinical significance of this alteration remains unclear.

Literature cited by the submitters: PubMed 23263490 (cited by Labcorp Genetics (formerly Invitae), Labcorp); PubMed 23447401 (cited by Labcorp Genetics (formerly Invitae), Labcorp).